The following is an entry in ClinVar:

ClinVar aggregate classification (germline): Benign. Review status: criteria provided, multiple submitters, no conflicts (2 of 4 stars). 2 submissions from 2 submitters: Benign (2). Last evaluated 2018-06-19.

Allele frequency attached by ClinVar (database versions not stated): gnomAD exomes 0.07760; 1000 Genomes Project 0.08886; 1000 Genomes Project 30x 0.09041; TOPMed 0.09803; gnomAD 0.09823 and 0.10123.
gnomAD v4.1: 104,375 of 1,304,520 alleles (8%); highest among the groups gnomAD compares: African/African-American, 17%; 4,598 homozygotes.

Submissions (2):

GeneDx
Classification: Benign. Last evaluated: 2018-06-19. Review status: criteria provided, single submitter. Criteria: GeneDx Variant Classification (06012015). Collection method: clinical testing. Allele origin: germline. Affected: yes.
Comment: This variant is considered likely benign or benign based on one or more of the following criteria: it is a conservative change, it occurs at a poorly conserved position in the protein, it is predicted to be benign by multiple in silico algorithms, and/or has population frequency not consistent with disease.

Breakthrough Genomics
Classification: Benign. Review status: criteria provided, single submitter. Criteria: ACMG Guidelines, 2015. Collection method: not provided. Allele origin: germline. Inheritance: Autosomal recessive inheritance. Affected: yes.

NM_003331.5(TYK2):c.-20-69G>A

Gene: TYK2 (tyrosine kinase 2; minus strand). Cytogenetic location: 19p13.2.
Variant type: single nucleotide variant.
Coding change: c.-20-69G>A on transcript NM_003331.5 (MANE Select); 69 bases into the intron before 20 bases upstream of the start codon, G replaced by A.
Molecular consequence: intron variant.
Genome position (GRCh38, 1-based): chr19:10,378,495, C>T on the plus strand (G>A on the coding strand, the complement: TYK2 is on the minus strand). VCF-style: chr19-10378495-C-T. GRCh37 (hg19) VCF-style: chr19-10489171-C-T.
Identifiers: ClinVar variation 676029 (VCV000676029.2), dbSNP rs12720222, ClinGen allele CA14733541.